The following is an entry in ClinVar:

ClinVar aggregate classification (germline): Uncertain significance (1 of 4 stars; one submission).

Conditions:
Severe combined immunodeficiency, autosomal recessive, T cell-negative, B cell-negative, NK cell-positive. Also called: SCID, T CELL-NEGATIVE, B CELL-NEGATIVE, NK CELL-POSITIVE; Severe combined immunodeficiency due to complete RAG1/2 deficiency; SCID, AR, T-cell negative, B-cell negative, NK cell-positive. Identifiers: Orphanet 331206, MedGen C1832322, MONDO:0011086, OMIM 601457.
Combined immunodeficiency with skin granulomas. Identifiers: Orphanet 157949, MedGen C2673536, MONDO:0009306, OMIM 233650.

gnomAD v4.1: 3 of 1,614,142 alleles (0.00019%); highest among the groups gnomAD compares: Admixed American, 0.0033%; no homozygotes.

Submission:

Labcorp Genetics (formerly Invitae), Labcorp
Classification: Uncertain significance for Combined immunodeficiency with skin granulomas; Severe combined immunodeficiency, autosomal recessive, T cell-negative, B cell-negative, NK cell-positive. Last evaluated: 2022-08-10. Review status: criteria provided, single submitter. Criteria: Invitae Variant Classification Sherloc (09022015). Collection method: clinical testing. Allele origin: germline.
Comment: This sequence change replaces proline, which is neutral and non-polar, with alanine, which is neutral and non-polar, at codon 501 of the RAG2 protein (p.Pro501Ala). This variant is not present in population databases (gnomAD no frequency). This variant has not been reported in the literature in individuals affected with RAG2-related conditions. ClinVar contains an entry for this variant (Variation ID: 1000609). Advanced modeling of protein sequence and biophysical properties (such as structural, functional, and spatial information, amino acid conservation, physicochemical variation, residue mobility, and thermodynamic stability) performed at Invitae indicates that this missense variant is not expected to disrupt RAG2 protein function. In summary, the available evidence is currently insufficient to determine the role of this variant in disease. Therefore, it has been classified as a Variant of Uncertain Significance.

NM_000536.4(RAG2):c.1501C>G (p.Pro501Ala)

Gene: RAG2 (recombination activating 2; minus strand). Cytogenetic location: 11p12.
Variant type: single nucleotide variant.
Coding change: c.1501C>G on transcript NM_000536.4 (MANE Select); coding-DNA position 1501, C replaced by G.
Protein change: p.Pro501Ala; replaces proline 501 with alanine.
Molecular consequence: missense variant.
Genome position (GRCh38, 1-based): chr11:36,592,668, G>C on the plus strand (C>G on the coding strand, the complement: RAG2 is on the minus strand). VCF-style: chr11-36592668-G-C. GRCh37 (hg19) VCF-style: chr11-36614218-G-C.
Other names: c.1501C>G, p.Pro501Ala (NM_001243785.2, NM_001243786.2); short protein forms P501A.
Identifiers: ClinVar variation 1000609 (VCV001000609.4), dbSNP rs781104028, ClinGen allele CA380140225.
Genomic context (GRCh38, chr11:36,592,668, plus strand): 5'-AGGATTTCTTGGCAGGAGTCAAGATTTTTCCAGAACCTTTTTTACGGAGGGATTTCATTG[G>C]AGGCTTTTTTAAGGGTAGGACTCTTTGGGGAGTGTGTAGAGCTCTTGCTATCTCCACATG-3'
Protein context (NP_000527.2, residues 491-511): PQRVLPLKKP[Pro501Ala]MKSLRKKGSG